The following is an entry in ClinVar:

ClinVar aggregate classification (germline): Benign (1 of 4 stars; one submission).

Conditions:
Cataract 5 multiple types (CTRCT5). Also called: CATARACT, MARNER TYPE; CATARACT 5, LAMELLAR; Lamellar cataract. Identifiers: Orphanet 91492, MedGen C0266537, MONDO:0007290, OMIM 116800, HP:0007971.

Allele frequency attached by ClinVar (database versions not stated): gnomAD 0.00009 and 0.00011; ExAC 0.00017; TOPMed 0.00011.

Submission:

Illumina Laboratory Services, Illumina
Classification: Benign for Cataract 5 multiple types. Last evaluated: 2018-01-12. Review status: criteria provided, single submitter. Criteria: ICSL Variant Classification Criteria 13 December 2019. Collection method: clinical testing. Allele origin: germline.
Comment: This variant was observed in the ICSL laboratory as part of a predisposition screen in an ostensibly healthy population. It had not been previously curated by ICSL or reported in the Human Gene Mutation Database (HGMD: prior to June 1st, 2018), and was therefore a candidate for classification through an automated scoring system. Utilizing variant allele frequency, disease prevalence and penetrance estimates, and inheritance mode, an automated score was calculated to assess if this variant is too frequent to cause the disease. Based on the score and internal cut-off values, a variant classified as benign is not then subjected to further curation. The score for this variant resulted in a classification of benign for this disease.

NM_001538.3(HSF4):c.-772G>T

Genes: FBXL8 (F-box and leucine rich repeat protein 8; plus strand), HSF4 (heat shock transcription factor 4; plus strand). Cytogenetic location: 16q22.1.
Variant type: single nucleotide variant.
Coding change: c.-772G>T on transcript NM_001538.3; 772 bases upstream of the start codon, G replaced by T.
Molecular consequence: missense variant (on NM_018378.3).
Genome position (GRCh38, 1-based): chr16:67,163,578, G>T. VCF-style: chr16-67163578-G-T. GRCh37 (hg19) VCF-style: chr16-67197481-G-T.
Other names: c.883G>T, p.Ala295Ser (NM_018378.3); short protein forms A295S.
Identifiers: ClinVar variation 885462 (VCV000885462.6), dbSNP rs201135322, ClinGen allele CA8101563.